The following is an entry in ClinVar:

NM_018972.4(GDAP1):c.937A>G (p.Lys313Glu)

Gene: GDAP1 (ganglioside induced differentiation associated protein 1; plus strand). Cytogenetic location: 8q21.11.
Variant type: single nucleotide variant.
Coding change: c.937A>G on transcript NM_018972.4 (MANE Select); coding-DNA position 937, A replaced by G.
Protein change: p.Lys313Glu; replaces lysine 313 with glutamic acid.
Molecular consequence: missense variant. On other transcripts: intron variant (1).
Genome position (GRCh38, 1-based): chr8:74,364,227, A>G. VCF-style: chr8-74364227-A-G. GRCh37 (hg19) VCF-style: chr8-75276462-A-G.
Other names: c.733A>G, p.Lys245Glu (NM_001040875.4); c.610A>G, p.Lys204Glu (NM_001362929.2, NM_001362932.2); c.763A>G, p.Lys255Glu (NM_001362930.2); c.694+1174A>G (NM_001362931.2); short protein forms K204E, K245E, K255E, K313E.
Identifiers: ClinVar variation 854360 (VCV000854360.9), dbSNP rs1809514361, ClinGen allele CA371550578.

ClinVar aggregate classification (germline): Uncertain significance (1 of 4 stars; one submission).

Conditions:
Charcot-Marie-Tooth disease type 4A. Also called: Charcot-Marie-Tooth disease, demyelinating, autosomal recessive, type 4a. Identifiers: Orphanet 99948, MedGen C1859198, MONDO:0008961, OMIM 214400.

Allele frequency attached by ClinVar (database versions not stated): gnomAD exomes below 0.00001.
gnomAD v4.1: 1 of 1,614,236 alleles (0.000062%); highest among the groups gnomAD compares: Non-Finnish European, 0.000085%; no homozygotes.

Submission:

Labcorp Genetics (formerly Invitae), Labcorp
Classification: Uncertain significance for Charcot-Marie-Tooth disease type 4A. Last evaluated: 2024-01-22. Review status: criteria provided, single submitter. Criteria: Invitae Variant Classification Sherloc (09022015). Collection method: clinical testing. Allele origin: germline.
Comment: This sequence change replaces lysine, which is basic and polar, with glutamic acid, which is acidic and polar, at codon 313 of the GDAP1 protein (p.Lys313Glu). This variant is not present in population databases (gnomAD no frequency). This missense change has been observed in individual(s) with clinical features of Charcot-Marie-Tooth disease (Invitae). ClinVar contains an entry for this variant (Variation ID: 854360). An algorithm developed to predict the effect of missense changes on protein structure and function (PolyPhen-2) suggests that this variant is likely to be tolerated. In summary, the available evidence is currently insufficient to determine the role of this variant in disease. Therefore, it has been classified as a Variant of Uncertain Significance.